The following is an entry in ClinVar:

ClinVar aggregate classification (germline): Likely pathogenic (1 of 4 stars; one submission).

Submission:

GeneDx
Classification: Likely pathogenic. Last evaluated: 2024-06-30. Review status: criteria provided, single submitter. Criteria: GeneDx Variant Classification Process June 2021. Collection method: clinical testing. Allele origin: germline. Affected: yes.
Comment: Frameshift variant predicted to result in protein truncation or nonsense mediated decay in a gene for which loss of function is a known mechanism of disease; Not observed at significant frequency in large population cohorts (gnomAD); Also known as c.2398_2401del; This variant is associated with the following publications: (PMID: 28724667, 31721094)

NM_000057.2:c.2403_2406del

Gene: BLM (BLM RecQ like helicase; plus strand).
Variant type: Deletion.
Identifiers: ClinVar variation 3393540 (VCV003393540.1).